The following is an entry in ClinVar:

ClinVar aggregate classification (germline): Uncertain significance (1 of 4 stars; one submission).

gnomAD v4.1: 2 of 1,613,792 alleles (0.00012%); highest among the groups gnomAD compares: Non-Finnish European, 0.000085%; no homozygotes.

Submission:

Labcorp Genetics (formerly Invitae), Labcorp
Classification: Uncertain significance. Last evaluated: 2024-05-21. Review status: criteria provided, single submitter. Criteria: Invitae Variant Classification Sherloc (09022015). Collection method: clinical testing. Allele origin: germline.
Comment: This sequence change creates a premature translational stop signal (p.Glu1002*) in the NLRP1 gene. It is expected to result in an absent or disrupted protein product. However, the current clinical and genetic evidence is not sufficient to establish whether loss-of-function variants in NLRP1 cause disease. This variant is present in population databases (rs780502565, gnomAD 0.0009%). This variant has not been reported in the literature in individuals affected with NLRP1-related conditions. Algorithms developed to predict the effect of sequence changes on RNA splicing suggest that this variant may disrupt the consensus splice site. In summary, the available evidence is currently insufficient to determine the role of this variant in disease. Therefore, it has been classified as a Variant of Uncertain Significance.

NM_033004.4(NLRP1):c.3004G>T (p.Glu1002Ter)

Gene: NLRP1 (NLR family pyrin domain containing 1; minus strand). Cytogenetic location: 17p13.2.
Variant type: single nucleotide variant.
Coding change: c.3004G>T on transcript NM_033004.4 (MANE Select); coding-DNA position 3004, G replaced by T.
Protein change: p.Glu1002Ter; replaces glutamic acid 1002 with a stop codon.
Molecular consequence: nonsense.
Genome position (GRCh38, 1-based): chr17:5,533,945, C>A on the plus strand (G>T on the coding strand, the complement: NLRP1 is on the minus strand). VCF-style: chr17-5533945-C-A. GRCh37 (hg19) VCF-style: chr17-5437265-C-A.
Other names: c.3004G>T, p.Glu1002Ter (NM_001033053.3, NM_014922.5); c.2914G>T, p.Glu972Ter (NM_033006.4, NM_033007.4); short protein forms E1002*, E972*.
Identifiers: ClinVar variation 3623777 (VCV003623777.2).